The following is an entry in ClinVar:

NM_001267550.2(TTN):c.8902+12_8902+13del

Gene: TTN (titin; minus strand). Cytogenetic location: 2q31.2.
Variant type: Deletion.
Coding change: c.8902+12_8902+13del on transcript NM_001267550.2 (MANE Select); bases 12 to 13 of the intron after coding-DNA position 8902, 2 bases deleted (AA; older notation c.8902+12_8902+13delAA).
Molecular consequence: intron variant.
Genome position (GRCh38, 1-based): chr2:178,769,666-178,769,667, TT deleted on the plus strand (AA on the coding strand, the reverse complement: TTN is on the minus strand); deleting any 2 consecutive bases within chr2:178,769,666-178,769,671 gives the same sequence; the c. name uses the placement nearest the transcript's 3' end. VCF-style (leftmost placement, unchanged base first): chr2-178769665-ATT-A. GRCh37 (hg19) VCF-style: chr2-179634392-ATT-A.
Other names: c.8764+12_8764+13del (NM_003319.4, NM_133437.4, NM_133432.3); c.8902+12_8902+13del (NM_133378.4, NM_001256850.1, NM_133379.5); c.8902+12_8902+13delAA (NM_133378.4, NM_001256850.1).
Identifiers: ClinVar variation 516803 (VCV000516803.14), dbSNP rs774238749, ClinGen allele CA2004506.

ClinVar aggregate classification (germline): Likely benign. Review status: criteria provided, multiple submitters, no conflicts (2 of 4 stars). 6 submissions from 6 submitters: Likely benign (4). 2 of the submissions do not count toward it. Last evaluated 2026-01-09.

Conditions:
Autosomal recessive limb-girdle muscular dystrophy type 2J (LGMDR10). Also called: Limb-girdle muscular dystrophy, type 2J; MUSCULAR DYSTROPHY, LIMB-GIRDLE, AUTOSOMAL RECESSIVE 10. Identifiers: Orphanet 140922, MedGen C1837342, MONDO:0012127, OMIM 608807.
Dilated cardiomyopathy 1G (CMD1G). Identifiers: Orphanet 154, MedGen C1858763, MONDO:0011400, OMIM 604145.

Submissions (6):

Labcorp Genetics (formerly Invitae), Labcorp
Classification: Likely benign for Dilated cardiomyopathy 1G; Autosomal recessive limb-girdle muscular dystrophy type 2J. Last evaluated: 2026-01-09. Review status: criteria provided, single submitter. Criteria: Invitae Variant Classification Sherloc (09022015). Collection method: clinical testing. Allele origin: germline.

Women's Health and Genetics/Laboratory Corporation of America, LabCorp
Classification: Likely benign. Last evaluated: 2025-04-25. Review status: criteria provided, single submitter. Criteria: LabCorp Variant Classification Summary - May 2015. Collection method: clinical testing. Allele origin: germline.
Comment: Variant summary: TTN c.8902+12_8902+13delAA alters a nucleotide located at a position not widely known to affect splicing. Consensus agreement among computation tools predict no significant impact on normal splicing. However, these predictions have yet to be confirmed by functional studies. The variant allele was found at a frequency of 0.00023 in 196464 control chromosomes in the gnomAD database, including 1 homozygotes. This frequency is not significantly higher than estimated for a pathogenic variant in TTN causing Dilated Cardiomyopathy (0.00023 vs 0.00039), allowing no conclusion about variant significance. To our knowledge, no occurrence of c.8902+12_8902+13delAA in individuals affected with Dilated Cardiomyopathy and no experimental evidence demonstrating its impact on protein function have been reported. ClinVar contains an entry for this variant (Variation ID: 516803). Based on the evidence outlined above, the variant was classified as likely benign.

Blueprint Genetics
Classification: Likely benign. Last evaluated: 2024-03-19. Review status: criteria provided, single submitter. Criteria: ACMG Guidelines, 2015. Collection method: clinical testing. Allele origin: germline.

GeneDx
Classification: Likely benign. Last evaluated: 2018-04-18. Review status: criteria provided, single submitter. Criteria: GeneDx Variant Classification Process June 2021. Collection method: clinical testing. Allele origin: germline. Affected: yes.

Clinical Genetics, Academic Medical Center
Classification: Benign. Review status: no assertion criteria provided. Collection method: clinical testing. Allele origin: germline. Affected: yes. Study: VKGL Data-share Consensus. Not counted in ClinVar's aggregate classification.

Genome Diagnostics Laboratory, University Medical Center Utrecht
Classification: Likely benign. Review status: no assertion criteria provided. Collection method: clinical testing. Allele origin: germline. Affected: yes. Study: VKGL Data-share Consensus. Not counted in ClinVar's aggregate classification.